The following is an entry in ClinVar:

NM_025114.4(CEP290):c.5499T>C (p.Tyr1833=)

Gene: CEP290 (centrosomal protein 290; minus strand). Cytogenetic location: 12q21.32.
Variant type: single nucleotide variant.
Coding change: c.5499T>C on transcript NM_025114.4 (MANE Select); coding-DNA position 5499, T replaced by C.
Protein change: p.Tyr1833=; no amino-acid change (tyrosine 1833 retained).
Molecular consequence: synonymous variant.
Genome position (GRCh38, 1-based): chr12:88,077,784, A>G on the plus strand (T>C on the coding strand, the complement: CEP290 is on the minus strand). VCF-style: chr12-88077784-A-G. GRCh37 (hg19) VCF-style: chr12-88471561-A-G.
Identifiers: ClinVar variation 2016442 (VCV002016442.11), dbSNP rs2499857418, ClinGen allele CA481073356.
Genomic context (GRCh38, chr12:88,077,784, plus strand): 5'-TTGCCTTTTCAGTTCATCATTCTCTTGATCAATTTCCTCTTTCTCTCTAAGTATTTTATT[A>G]TAGGCTTTTTGTTTCTTTTGCAGTTCATTATTTAAGTCATTCAAATTATCAGTTAGTGAG-3'
Protein context (NP_079390.3, residues 1823-1843): NNELQKKQKA[Tyr1833=]NKILREKEEI

ClinVar aggregate classification (germline): Likely benign. Review status: criteria provided, multiple submitters, no conflicts (2 of 4 stars). 2 submissions from 2 submitters: Likely benign (2). Last evaluated 2025-03-01.

Conditions:
Meckel-Gruber syndrome. Also called: DYSENCEPHALIA SPLANCHNOCYSTICA; GRUBER SYNDROME; Dysencephalia splachnocystica. Identifiers: Orphanet 564, MedGen C0265215, MONDO:0018921.
Nephronophthisis. Also called: Juvenile Nephronophthisis. Identifiers: Orphanet 655, MedGen C0687120, MONDO:0019005, HP:0000090.
Joubert syndrome. Also called: Familial aplasia of the vermis; JOUBERT-BOLTSHAUSER SYNDROME. Identifiers: Orphanet 475, MedGen C5979921, MONDO:0018772.

Allele frequency attached by ClinVar (database versions not stated): gnomAD exomes below 0.00001.
gnomAD v4.1: 3 of 1,576,750 alleles (0.00019%); highest among the groups gnomAD compares: Non-Finnish European, 0.00026%; no homozygotes.

Submissions (2):

CeGaT Center for Human Genetics Tuebingen
Classification: Likely benign. Last evaluated: 2025-03-01. Review status: criteria provided, single submitter. Criteria: CeGaT Center For Human Genetics Tuebingen Variant Classification Criteria Version 2. Collection method: clinical testing. Allele origin: germline. Affected: yes. Observed: 1 variant allele.
Comment: CEP290: BP4, BP7

Labcorp Genetics (formerly Invitae), Labcorp
Classification: Likely benign for Joubert syndrome; Meckel-Gruber syndrome; Nephronophthisis. Last evaluated: 2022-07-13. Review status: criteria provided, single submitter. Criteria: Invitae Variant Classification Sherloc (09022015). Collection method: clinical testing. Allele origin: germline.